The following is an entry in ClinVar:

ClinVar aggregate classification (germline): Uncertain significance (1 of 4 stars; one submission).

Allele frequency attached by ClinVar (database versions not stated): ExAC 0.00001; gnomAD exomes 0.00001; gnomAD 0.00002; TOPMed 0.00003.
gnomAD v4.1: 24 of 1,613,476 alleles (0.0015%); highest among the groups gnomAD compares: Admixed American, 0.01%; no homozygotes.

Submission:

Labcorp Genetics (formerly Invitae), Labcorp
Classification: Uncertain significance. Last evaluated: 2025-03-28. Review status: criteria provided, single submitter. Criteria: Invitae Variant Classification Sherloc (09022015). Collection method: clinical testing. Allele origin: germline.
Comment: This sequence change replaces asparagine, which is neutral and polar, with serine, which is neutral and polar, at codon 76 of the JAK1 protein (p.Asn76Ser). This variant is present in population databases (rs763612181, gnomAD 0.01%). This variant has not been reported in the literature in individuals affected with JAK1-related conditions. ClinVar contains an entry for this variant (Variation ID: 2173754). Invitae Evidence Modeling of protein sequence and biophysical properties (such as structural, functional, and spatial information, amino acid conservation, physicochemical variation, residue mobility, and thermodynamic stability) indicates that this missense variant is not expected to disrupt JAK1 protein function with a negative predictive value of 80%. In summary, the available evidence is currently insufficient to determine the role of this variant in disease. Therefore, it has been classified as a Variant of Uncertain Significance.

NM_002227.4(JAK1):c.227A>G (p.Asn76Ser)

Gene: JAK1 (Janus kinase 1; minus strand). Cytogenetic location: 1p31.3.
Variant type: single nucleotide variant.
Coding change: c.227A>G on transcript NM_002227.4 (MANE Select); coding-DNA position 227, A replaced by G.
Protein change: p.Asn76Ser; replaces asparagine 76 with serine.
Molecular consequence: missense variant.
Genome position (GRCh38, 1-based): chr1:64,879,127, T>C on the plus strand (A>G on the coding strand, the complement: JAK1 is on the minus strand). VCF-style: chr1-64879127-T-C. GRCh37 (hg19) VCF-style: chr1-65344810-T-C.
Other names: c.227A>G, p.Asn76Ser (NM_001320923.2, NM_001321852.2, NM_001321853.2 and 4 more transcripts); short protein forms N76S.
Identifiers: ClinVar variation 2173754 (VCV002173754.4), dbSNP rs763612181, ClinGen allele CA893211.